The following is an entry in ClinVar:

ClinVar aggregate classification (germline): Likely benign. Review status: criteria provided, multiple submitters, no conflicts (2 of 4 stars). 2 submissions from 2 submitters: Likely benign (2). Last evaluated 2024-05-07.

Conditions:
Arrhythmogenic cardiomyopathy with wooly hair and keratoderma. Also called: PALMOPLANTAR KERATODERMA WITH LEFT VENTRICULAR CARDIOMYOPATHY AND WOOLLY HAIR; Carvajal syndrome; Dilated cardiomyopathy with woolly hair and keratoderma; Arrhythmogenic cardiomyopathy with woolly hair and keratoderma. Identifiers: Orphanet 65282, MedGen C1854063, MONDO:0011581, OMIM 605676.
Cardiovascular phenotype. Identifiers: MedGen CN230736.

Submissions (2):

Ambry Genetics
Classification: Likely benign for Cardiovascular phenotype. Last evaluated: 2024-05-07. Review status: criteria provided, single submitter. Criteria: Ambry Variant Classification Scheme 2023. Collection method: clinical testing. Allele origin: germline.

All of Us Research Program, National Institutes of Health
Classification: Likely benign for Arrhythmogenic cardiomyopathy with wooly hair and keratoderma. Last evaluated: 2023-04-28. Review status: criteria provided, single submitter. Criteria: ACMG Guidelines, 2015. Collection method: clinical testing. Allele origin: germline. Inheritance: Autosomal dominant inheritance. Observed: 1 variant allele, 1 heterozygote.
Comment: This study involves interpretation of variants in research participants for the purpose of population health screening. Participant phenotype was not available at the time of variant classification. Additional details can be found in publication PMID: 35346344, PMCID: PMC8962531

NM_004415.4(DSP):c.492C>T (p.Ala164=)

Gene: DSP (desmoplakin; plus strand). Cytogenetic location: 6p24.3.
Variant type: single nucleotide variant.
Coding change: c.492C>T on transcript NM_004415.4 (MANE Select); coding-DNA position 492, C replaced by T.
Protein change: p.Ala164=; no amino-acid change (alanine 164 retained).
Molecular consequence: synonymous variant.
Genome position (GRCh38, 1-based): chr6:7,559,295, C>T. VCF-style: chr6-7559295-C-T. GRCh37 (hg19) VCF-style: chr6-7559528-C-T.
Other names: c.492C>T, p.Ala164= (NM_001008844.3, NM_001319034.2, NM_001406591.1).
Identifiers: ClinVar variation 3070558 (VCV003070558.2), dbSNP rs2113659755, ClinGen allele CA448513647.
Genomic context (GRCh38, chr6:7,559,295, plus strand): 5'-GCTCCAAGAGCAAATGCGAGCCCTTTATAAAGCCATCAGTGTCCCTCGAGTCCGCAGGGC[C>T]AGCTCCAAGGGTGGTGGAGGCTACACTTGTCAGAGTGGCTCTGGCTGGGATGAGTTCACC-3'
Protein context (NP_004406.2, residues 154-174): KAISVPRVRR[Ala164=]SSKGGGGYTC